The following is an entry in ClinVar:

ClinVar aggregate classification (germline): Likely benign (1 of 4 stars; one submission).

Submission:

CeGaT Center for Human Genetics Tuebingen
Classification: Likely benign. Last evaluated: 2026-09-01. Review status: criteria provided, single submitter. Criteria: CeGaT Center For Human Genetics Tuebingen Variant Classification Criteria Version 2. Collection method: clinical testing. Allele origin: germline. Affected: yes. Observed: 1 variant allele.
Comment: GPX4: BP4, BP7

NM_002085.5(GPX4):c.292C>T (p.Leu98=)

Gene: GPX4 (glutathione peroxidase 4; plus strand). Cytogenetic location: 19p13.3.
Variant type: single nucleotide variant.
Coding change: c.292C>T on transcript NM_002085.5 (MANE Select); coding-DNA position 292, C replaced by T.
Protein change: p.Leu98=; no amino-acid change (leucine 98 retained).
Molecular consequence: synonymous variant.
Genome position (GRCh38, 1-based): chr19:1,105,478, C>T. VCF-style: chr19-1105478-C-T. GRCh37 (hg19) VCF-style: chr19-1105477-C-T.
Other names: c.292C>T, p.Leu98= (NM_001039847.3); c.403C>T, p.Leu135= (NM_001039848.4); c.211C>T, p.Leu71= (NM_001367832.1).
Identifiers: ClinVar variation 5041371 (VCV005041371.1).